The following is an entry in ClinVar:

NM_000257.4(MYH7):c.3749G>C (p.Arg1250Pro)

Gene: MYH7 (myosin heavy chain 7; minus strand). Cytogenetic location: 14q11.2.
Variant type: single nucleotide variant.
Coding change: c.3749G>C on transcript NM_000257.4 (MANE Select); coding-DNA position 3749, G replaced by C.
Protein change: p.Arg1250Pro; replaces arginine 1250 with proline.
Molecular consequence: missense variant.
Genome position (GRCh38, 1-based): chr14:23,419,587, C>G on the plus strand (G>C on the coding strand, the complement: MYH7 is on the minus strand). VCF-style: chr14-23419587-C-G. GRCh37 (hg19) VCF-style: chr14-23888796-C-G.
Other names: p.R1250P:CGG>CCG; c.3749G>C (LRG_384t1); short protein forms R1250P.
Identifiers: ClinVar variation 181232 (VCV000181232.10), dbSNP rs540263945, ClinGen allele CA014046.
Genomic context (GRCh38, chr14:23,419,587, plus strand): 5'-ACAGAACGCTGGGTCTCCTCCGCCTTGCTCCGGTGCTCATTCATCTGGTCTTCCAAGGTC[C>G]GGCACATCTTCTCCAGGTTAGCCTGAGAAGGGAAGGAGAGTTATATGATGGATGTTGGGG-3'
Protein context (NP_000248.2, residues 1240-1260): KAKANLEKMC[Arg1250Pro]TLEDQMNEHR

ClinVar aggregate classification (germline): Uncertain significance. Review status: criteria provided, multiple submitters, no conflicts (2 of 4 stars). 4 submissions from 4 submitters: Uncertain significance (4). Last evaluated 2024-12-12.

Conditions:
Cardiomyopathy (CMYO). Also called: Cardiomyopathies. Identifiers: Orphanet 167848, MedGen C0878544, MONDO:0004994, HP:0001638. Inheritance: Various modes of inheritance.
Hypertrophic cardiomyopathy. Also called: HYPERTROPHIC MYOCARDIOPATHY. Identifiers: Orphanet 217569, MedGen C0007194, MeSH D002312, MONDO:0005045, HP:0001639.

gnomAD v4.1: 4 of 1,613,498 alleles (0.00025%); highest among the groups gnomAD compares: East Asian, 0.0022%; no homozygotes.

Submissions (4):

Labcorp Genetics (formerly Invitae), Labcorp
Classification: Uncertain significance for Hypertrophic cardiomyopathy. Last evaluated: 2024-12-12. Review status: criteria provided, single submitter. Criteria: Invitae Variant Classification Sherloc (09022015). Collection method: clinical testing. Allele origin: germline.
Comment: This sequence change replaces arginine, which is basic and polar, with proline, which is neutral and non-polar, at codon 1250 of the MYH7 protein (p.Arg1250Pro). This variant is present in population databases (rs540263945, gnomAD 0.006%). This missense change has been observed in individual(s) with hypertrophic cardiomyopathy (PMID: 29121657). ClinVar contains an entry for this variant (Variation ID: 181232). Invitae Evidence Modeling of protein sequence and biophysical properties (such as structural, functional, and spatial information, amino acid conservation, physicochemical variation, residue mobility, and thermodynamic stability) has been performed for this missense variant. However, the output from this modeling did not meet the statistical confidence thresholds required to predict the impact of this variant on MYH7 protein function. This variant disrupts the p.Arg1250 amino acid residue in MYH7. Other variant(s) that disrupt this residue have been determined to be pathogenic (PMID: 20031619; internal data). This suggests that this residue is clinically significant, and that variants that disrupt this residue are likely to be disease-causing. In summary, the available evidence is currently insufficient to determine the role of this variant in disease. Therefore, it has been classified as a Variant of Uncertain Significance.

CHEO Genetics Diagnostic Laboratory, Children's Hospital of Eastern Ontario
Classification: Uncertain significance for Cardiomyopathy. Last evaluated: 2023-03-03. Review status: criteria provided, single submitter. Criteria: ACMG Guidelines, 2015. Collection method: clinical testing. Allele origin: germline.

All of Us Research Program, National Institutes of Health
Classification: Uncertain significance for Cardiomyopathy. Last evaluated: 2023-02-10. Review status: criteria provided, single submitter. Criteria: ACMG Guidelines, 2015. Collection method: clinical testing. Allele origin: germline. Inheritance: Autosomal dominant inheritance. Observed: 1 variant allele, 1 heterozygote.
Comment: This study involves interpretation of variants in research participants for the purpose of population health screening. Participant phenotype was not available at the time of variant classification. Additional details can be found in publication PMID: 35346344, PMCID: PMC8962531

GeneDx
Classification: Uncertain significance. Last evaluated: 2020-09-30. Review status: criteria provided, single submitter. Criteria: GeneDx Variant Classification Process June 2021. Collection method: clinical testing. Allele origin: germline. Affected: yes.
Comment: Observed in a cohort of patients that included symptomatic HCM patients, asymptomatic carriers, as well as non carriers in the published literature (Viswanathan et al., 2017); Not observed at a significant frequency in large population cohorts (Lek et al., 2016); In silico analysis supports that this missense variant has a deleterious effect on protein structure/function; This variant is associated with the following publications: (PMID: 29121657)

Literature cited by the submitters: PubMed 29121657 (cited by Labcorp Genetics (formerly Invitae), Labcorp); PubMed 20031619 (cited by Labcorp Genetics (formerly Invitae), Labcorp).